The following is an entry in ClinVar:

ClinVar aggregate classification (germline): Conflicting classifications of pathogenicity. Review status: criteria provided, conflicting classifications (1 of 4 stars). 3 submissions from 3 submitters: Uncertain significance (1); Benign (1). 1 of the submissions does not count toward it. Last evaluated 2025-06-17.

Conditions:
Kabuki syndrome. Also called: NIIKAWA-KUROKI SYNDROME; Kabuki make-up syndrome. Identifiers: Orphanet 2322, MedGen C0796004, MONDO:0016512.
Kabuki syndrome 1 (KABUK1). Also called: KMT2D-Related Kabuki Syndrome. Identifiers: Orphanet 2322, MedGen CN030661, MONDO:0007843, OMIM 147920.

Allele frequency attached by ClinVar (database versions not stated): ExAC 0.00001; TOPMed 0.00002; ESP Exome Variant Server 0.00008.
gnomAD v4.1: 28 of 1,613,140 alleles (0.0017%); highest among the groups gnomAD compares: Non-Finnish European, 0.0023%; no homozygotes.

Submissions (3):

Labcorp Genetics (formerly Invitae), Labcorp
Classification: Benign for Kabuki syndrome. Last evaluated: 2025-06-17. Review status: criteria provided, single submitter. Criteria: Invitae Variant Classification Sherloc (09022015). Collection method: clinical testing. Allele origin: germline.

Center for Human Genetics, Inc
Classification: Uncertain significance for Kabuki syndrome 1. Last evaluated: 2016-11-01. Review status: criteria provided, single submitter. Criteria: ACMG Guidelines, 2015. Collection method: clinical testing. Allele origin: germline. Affected: yes.

ITMI
No classification provided. Condition: AllHighlyPenetrant. Last evaluated: 2013-09-19. Review status: no classification provided. Collection method: reference population. Allele origin: germline. Not counted in ClinVar's aggregate classification.
Comment: Please see associated publication for description of ethnicities

Literature cited by the submitters: PubMed 24728327 (cited by ITMI).

NM_003482.4(KMT2D):c.305G>A (p.Ser102Asn)

Gene: KMT2D (lysine methyltransferase 2D; minus strand). Cytogenetic location: 12q13.12.
Variant type: single nucleotide variant.
Coding change: c.305G>A on transcript NM_003482.4 (MANE Select); coding-DNA position 305, G replaced by A.
Protein change: p.Ser102Asn; replaces serine 102 with asparagine.
Molecular consequence: missense variant.
Genome position (GRCh38, 1-based): chr12:49,054,623, C>T on the plus strand (G>A on the coding strand, the complement: KMT2D is on the minus strand). VCF-style: chr12-49054623-C-T. GRCh37 (hg19) VCF-style: chr12-49448406-C-T.
Other names: short protein forms S102N.
Identifiers: ClinVar variation 134685 (VCV000134685.4), dbSNP rs368471915, ClinGen allele CA160535.
Genomic context (GRCh38, chr12:49,054,623, plus strand): 5'-TCAGGGAAACCAATCTGTGATAGGTCCTCACTGGGCAGCACTGCCTCATTGGGCCCTGGG[C>T]TCCCCCCAGGGGACACCACTGGACACCGGGGCCAATCAAATGGCAACTCAAAGCGCCGTA-3'
Protein context (NP_003473.3, residues 92-112): PRCPVVSPGG[Ser102Asn]PGPNEAVLPS